The following is an entry in ClinVar:

NM_019109.5(ALG1):c.889G>T (p.Ala297Ser)

Gene: ALG1 (ALG1 chitobiosyldiphosphodolichol beta-mannosyltransferase; plus strand). Cytogenetic location: 16p13.3.
Variant type: single nucleotide variant.
Coding change: c.889G>T on transcript NM_019109.5 (MANE Select); coding-DNA position 889, G replaced by T.
Protein change: p.Ala297Ser; replaces alanine 297 with serine.
Molecular consequence: missense variant.
Genome position (GRCh38, 1-based): chr16:5,079,090, G>T. VCF-style: chr16-5079090-G-T. GRCh37 (hg19) VCF-style: chr16-5129091-G-T.
Other names: c.556G>T, p.Ala186Ser (NM_001330504.2); short protein forms A297S, A186S.
Identifiers: ClinVar variation 1519781 (VCV001519781.8), dbSNP rs2142716887, ClinGen allele CA394681968.
Genomic context (GRCh38, chr16:5,079,090, plus strand): 5'-AACAGGCCCCTGACATTCAATTCTCTTCTCATAGAGGACGAAGACTTCTCCATCCTGCTG[G>T]CAGCTTTAGAAAGTAGGTGTGTGGCTGCGGTGAGGAGCTCTGGGCTTGTCGGGGGCCACT-3'
Protein context (NP_061982.3, residues 287-307): TEDEDFSILL[Ala297Ser]ALEKFEQLTL

ClinVar aggregate classification (germline): Uncertain significance (1 of 4 stars; one submission).

Conditions:
ALG1-congenital disorder of glycosylation. Also called: CONGENITAL DISORDER OF GLYCOSYLATION, TYPE Ik; CDG Ik; ALG1-CDG. Identifiers: Orphanet 79327, MedGen C2931005, MONDO:0012052, OMIM 608540.

Allele frequency attached by ClinVar (database versions not stated): gnomAD exomes below 0.00001.
gnomAD v4.1: 1 of 1,597,776 alleles (0.000063%); highest among the groups gnomAD compares: Non-Finnish European, 0.000085%; no homozygotes.

Submission:

Labcorp Genetics (formerly Invitae), Labcorp
Classification: Uncertain significance for ALG1-congenital disorder of glycosylation. Last evaluated: 2024-08-12. Review status: criteria provided, single submitter. Criteria: Invitae Variant Classification Sherloc (09022015). Collection method: clinical testing. Allele origin: germline.
Comment: This sequence change replaces alanine, which is neutral and non-polar, with serine, which is neutral and polar, at codon 297 of the ALG1 protein (p.Ala297Ser). This variant is not present in population databases (gnomAD no frequency). This variant has not been reported in the literature in individuals affected with ALG1-related conditions. ClinVar contains an entry for this variant (Variation ID: 1519781). Advanced modeling of protein sequence and biophysical properties (such as structural, functional, and spatial information, amino acid conservation, physicochemical variation, residue mobility, and thermodynamic stability) performed at Invitae indicates that this missense variant is not expected to disrupt ALG1 protein function with a negative predictive value of 80%. In summary, the available evidence is currently insufficient to determine the role of this variant in disease. Therefore, it has been classified as a Variant of Uncertain Significance.